The following is an entry in ClinVar:

ClinVar aggregate classification (germline): Uncertain significance (1 of 4 stars; one submission).

Submission:

Labcorp Genetics (formerly Invitae), Labcorp
Classification: Uncertain significance. Last evaluated: 2025-03-05. Review status: criteria provided, single submitter. Criteria: Invitae Variant Classification Sherloc (09022015). Collection method: clinical testing. Allele origin: germline.
Comment: This sequence change falls in intron 14 of the YME1L1 gene. It does not directly change the encoded amino acid sequence of the YME1L1 protein. It affects a nucleotide within the consensus splice site. This variant is not present in population databases (gnomAD no frequency). This variant has not been reported in the literature in individuals affected with YME1L1-related conditions. Variants that disrupt the consensus splice site are a relatively common cause of aberrant splicing (PMID: 17576681, 9536098). Algorithms developed to predict the effect of sequence changes on RNA splicing suggest that this variant may disrupt the consensus splice site. In summary, the available evidence is currently insufficient to determine the role of this variant in disease. Therefore, it has been classified as a Variant of Uncertain Significance.

Literature cited by the submitters: PubMed 17576681; PubMed 9536098.

NM_014263.4(YME1L1):c.1411+4A>G

Gene: YME1L1 (YME1 like 1 ATPase; minus strand). Cytogenetic location: 10p12.1.
Variant type: single nucleotide variant.
Coding change: c.1411+4A>G on transcript NM_014263.4 (MANE Select); 4 bases into the intron after coding-DNA position 1411, A replaced by G.
Molecular consequence: intron variant.
Genome position (GRCh38, 1-based): chr10:27,120,431, T>C on the plus strand (A>G on the coding strand, the complement: YME1L1 is on the minus strand). VCF-style: chr10-27120431-T-C. GRCh37 (hg19) VCF-style: chr10-27409360-T-C.
Other names: c.1312+4A>G (NM_001253866.2); c.1582+4A>G (NM_139312.3).
Identifiers: ClinVar variation 4714387 (VCV004714387.1).
Genomic context (GRCh38, chr10:27,120,431, plus strand): 5'-ACAAACAGGGTGAGTGGTATATTACCACTTTACAGAAATGACAAATGTTTGTTTTGATAC[T>C]TACATTGATCAAACTTTATTTTATTGAGATACCATTTCAAAATTTCTGTTCGACCTTTTA-3'